The following is an entry in ClinVar:

NM_001844.5(COL2A1):c.1268G>A (p.Gly423Asp)

Gene: COL2A1 (collagen type II alpha 1 chain; minus strand). Cytogenetic location: 12q13.11.
Variant type: single nucleotide variant.
Coding change: c.1268G>A on transcript NM_001844.5 (MANE Select); coding-DNA position 1268, G replaced by A.
Protein change: p.Gly423Asp; replaces glycine 423 with aspartic acid.
Molecular consequence: missense variant.
Genome position (GRCh38, 1-based): chr12:47,987,175, C>T on the plus strand (G>A on the coding strand, the complement: COL2A1 is on the minus strand). VCF-style: chr12-47987175-C-T. GRCh37 (hg19) VCF-style: chr12-48380958-C-T.
Other names: c.1061G>A, p.Gly354Asp (NM_033150.3); short protein forms G423D, G354D.
Identifiers: ClinVar variation 452953 (VCV000452953.10), dbSNP rs1555167449, ClinGen allele CA384554070.
Genomic context (GRCh38, chr12:47,987,175, plus strand): 5'-TGAGGGCCAGGAGGGCCCCGTGGCCCAGGGAAGCCAGGAGCACCAGCAATGCCAGGAGCA[C>T]CCTGTGGGCATGAGAAGAAGGGAGGGGTGTCAGGAGAGGGGAGAGGCAGGACTGGGCTCT-3'
Protein context (NP_001835.3, residues 413-433): DGIPGAKGSA[Gly423Asp]APGIAGAPGF

ClinVar aggregate classification (germline): Pathogenic. Review status: criteria provided, multiple submitters, no conflicts (2 of 4 stars). 2 submissions from 2 submitters: Pathogenic (2). Last evaluated 2026-09-29.

Submissions (2):

GeneDx
Classification: Pathogenic. Last evaluated: 2026-09-29. Review status: criteria provided, single submitter. Criteria: GeneDx Variant Classification Process June 2021. Collection method: clinical testing. Allele origin: germline.
Comment: Reported in a proband with a clinical diagnosis of spondyloepiphyseal dysplasia congenita in published literature (PMID: 34529350); Not observed at significant frequency in large population cohorts (gnomAD); Occurs in the triple helical domain and replaces a glycine in a canonical Gly-X-Y repeat; missense substitution of a canonical glycine residue is expected to disrupt normal protein folding and function, and this is an established mechanism of disease (PMID: 34007986); In silico analysis supports that this missense variant has a deleterious effect on protein structure/function; This variant is associated with the following publications: (PMID: 34007986, 38702915, 34529350)

Labcorp Genetics (formerly Invitae), Labcorp
Classification: Pathogenic. Last evaluated: 2025-11-24. Review status: criteria provided, single submitter. Criteria: Invitae Variant Classification Sherloc (09022015). Collection method: clinical testing. Allele origin: germline.
Comment: This sequence change replaces glycine, which is neutral and non-polar, with aspartic acid, which is acidic and polar, at codon 423 of the COL2A1 protein (p.Gly423Asp). This variant is not present in population databases (gnomAD no frequency). This missense change has been observed in individuals with clinical features of spondyloepiphyseal dysplasia congenita (PMID: 34529350; internal data). ClinVar contains an entry for this variant (Variation ID: 452953). Experimental studies and prediction algorithms are not available or were not evaluated, and the functional significance of this variant is currently unknown. This variant disrupts the triple helix domain of COL2A1. Glycine residues within the Gly-Xaa-Yaa repeats of the triple helix domain are required for the structure and stability of fibrillar collagens (PMID: 7695699, 8218237, 19344236). In COL2A1, variants affecting these glycine residues are significantly enriched in individuals with disease (PMID: 9016532, 17078022) compared to the general population (ExAC). For these reasons, this variant has been classified as Pathogenic.

Literature cited by the submitters: PubMed 34529350 (cited by Labcorp Genetics (formerly Invitae), Labcorp); PubMed 7695699 (cited by Labcorp Genetics (formerly Invitae), Labcorp); PubMed 8218237 (cited by Labcorp Genetics (formerly Invitae), Labcorp); PubMed 19344236 (cited by Labcorp Genetics (formerly Invitae), Labcorp); PubMed 9016532 (cited by Labcorp Genetics (formerly Invitae), Labcorp); PubMed 17078022 (cited by Labcorp Genetics (formerly Invitae), Labcorp).